The following is an entry in ClinVar:

NM_000075.4(CDK4):c.563A>C (p.Gln188Pro)

Gene: CDK4 (cyclin dependent kinase 4; minus strand). Cytogenetic location: 12q14.1.
Variant type: single nucleotide variant.
Coding change: c.563A>C on transcript NM_000075.4 (MANE Select); coding-DNA position 563, A replaced by C.
Protein change: p.Gln188Pro; replaces glutamine 188 with proline.
Molecular consequence: missense variant.
Genome position (GRCh38, 1-based): chr12:57,750,725, T>G on the plus strand (A>C on the coding strand, the complement: CDK4 is on the minus strand). VCF-style: chr12-57750725-T-G. GRCh37 (hg19) VCF-style: chr12-58144508-T-G.
Other names: short protein forms Q188P.
Identifiers: ClinVar variation 4735685 (VCV004735685.1).

ClinVar aggregate classification (germline): Uncertain significance (1 of 4 stars; one submission).

Conditions:
Familial melanoma. Also called: Hereditary melanoma; Hereditary cutaneous melanoma. Identifiers: Orphanet 618, MedGen C1512419, MONDO:0018961.

Submission:

Labcorp Genetics (formerly Invitae), Labcorp
Classification: Uncertain significance for Familial melanoma. Last evaluated: 2026-01-19. Review status: criteria provided, single submitter. Criteria: Invitae Variant Classification Sherloc (09022015). Collection method: clinical testing. Allele origin: germline.
Comment: This sequence change replaces glutamine, which is neutral and polar, with proline, which is neutral and non-polar, at codon 188 of the CDK4 protein (p.Gln188Pro). This variant is not present in population databases (gnomAD no frequency). This variant has not been reported in the literature in individuals affected with CDK4-related conditions. An algorithm developed to predict the effect of missense changes on protein structure and function (PolyPhen-2) suggests that this variant is likely to be tolerated. In summary, the available evidence is currently insufficient to determine the role of this variant in disease. Therefore, it has been classified as a Variant of Uncertain Significance.